The following is an entry in ClinVar:

NM_003944.4(SELENBP1):c.1284T>C (p.Asp428=)

Gene: SELENBP1 (selenium binding protein 1; minus strand). Cytogenetic location: 1q21.3.
Variant type: single nucleotide variant.
Coding change: c.1284T>C on transcript NM_003944.4 (MANE Select); coding-DNA position 1284, T replaced by C.
Protein change: p.Asp428=; no amino-acid change (aspartic acid 428 retained).
Molecular consequence: synonymous variant.
Genome position (GRCh38, 1-based): chr1:151,364,678, A>G on the plus strand (T>C on the coding strand, the complement: SELENBP1 is on the minus strand). VCF-style: chr1-151364678-A-G. GRCh37 (hg19) VCF-style: chr1-151337154-A-G.
Other names: c.1098T>C, p.Asp366= (NM_001258288.2); c.1410T>C, p.Asp470= (NM_001258289.2).
Identifiers: ClinVar variation 3049444 (VCV003049444.2), dbSNP rs199891634, ClinGen allele CA1090023.

ClinVar aggregate classification (germline): Likely benign (0 of 4 stars; one submission).

Conditions:
SELENBP1-related disorder. Also called: SELENBP1-related condition.

Allele frequency attached by ClinVar (database versions not stated): ExAC 0.00001; gnomAD 0.00003; TOPMed 0.00003; gnomAD exomes 0.00005.

Submission:

PreventionGenetics, part of Exact Sciences
Classification: Likely benign for SELENBP1-related condition. Last evaluated: 2019-07-24. Review status: no assertion criteria provided. Collection method: clinical testing. Allele origin: germline.
Comment: This variant is classified as likely benign based on ACMG/AMP sequence variant interpretation guidelines (Richards et al. 2015 PMID: 25741868, with internal and published modifications).